The following is an entry in ClinVar:

NM_001370338.1(SLC7A2):c.1924C>T (p.Pro642Ser)

Gene: SLC7A2 (solute carrier family 7 member 2; plus strand). Cytogenetic location: 8p22.
Variant type: single nucleotide variant.
Coding change: c.1924C>T on transcript NM_001370338.1 (MANE Select); coding-DNA position 1924, C replaced by T.
Protein change: p.Pro642Ser; replaces proline 642 with serine.
Molecular consequence: missense variant.
Genome position (GRCh38, 1-based): chr8:17,565,093, C>T. VCF-style: chr8-17565093-C-T. GRCh37 (hg19) VCF-style: chr8-17422602-C-T.
Other names: c.1924C>T, p.Pro642Ser (NM_001008539.4); c.2044C>T, p.Pro682Ser (NM_001164771.2); c.1921C>T, p.Pro641Ser (NM_001370337.1); c.2041C>T, p.Pro681Ser (NM_003046.6); short protein forms P641S, P642S, P681S, P682S.
Identifiers: ClinVar variation 3044177 (VCV003044177.2), dbSNP rs151179886, ClinGen allele CA4645340.
Genomic context (GRCh38, chr8:17,565,093, plus strand): 5'-CCAGACAACGTTCATGCAGCAGCAGAAGAAAAATCTGCCATTCAAGCAAATGACCATCAC[C>T]CAAGAAATCTCAGTTCACCTTTCATATTCCATGAAAAGACAAGTGAATTCTAACACTTGC-3'
Protein context (NP_001357267.1, residues 632-652): KSAIQANDHH[Pro642Ser]RNLSSPFIFH

ClinVar aggregate classification (germline): Likely benign (0 of 4 stars; one submission).

Conditions:
SLC7A2-related disorder. Also called: SLC7A2-related condition.

Allele frequency attached by ClinVar (database versions not stated): 1000 Genomes Project 0.00140; ESP Exome Variant Server 0.00154; 1000 Genomes Project 30x 0.00156.
gnomAD v4.1: 382 of 1,613,818 alleles (0.024%); highest among the groups gnomAD compares: African/African-American, 0.47%; no homozygotes.

Submission:

PreventionGenetics, part of Exact Sciences
Classification: Likely benign for SLC7A2-related condition. Last evaluated: 2023-07-30. Review status: no assertion criteria provided. Collection method: clinical testing. Allele origin: germline.
Comment: This variant is classified as likely benign based on ACMG/AMP sequence variant interpretation guidelines (Richards et al. 2015 PMID: 25741868, with internal and published modifications).